The following is an entry in ClinVar:

NM_007294.4(BRCA1):c.4222C>T (p.Gln1408Ter)

Gene: BRCA1 (BRCA1 DNA repair associated; minus strand). Cytogenetic location: 17q21.31.
Variant type: single nucleotide variant.
Coding change: c.4222C>T on transcript NM_007294.4 (MANE Select); coding-DNA position 4222, C replaced by T.
Protein change: p.Gln1408Ter; replaces glutamine 1408 with a stop codon.
Molecular consequence: nonsense. On other transcripts: non-coding transcript variant (1).
Genome position (GRCh38, 1-based): chr17:43,082,539, G>A on the plus strand (C>T on the coding strand, the complement: BRCA1 is on the minus strand). VCF-style: chr17-43082539-G-A. GRCh37 (hg19) VCF-style: chr17-41234556-G-A.
Other names: 4341C>T; c.4222C>T, p.Gln1408Ter (NM_001407605.1, NM_001407616.1, NM_001407617.1 and 23 more transcripts); c.4219C>T, p.Gln1407Ter (NM_001407610.1, NM_001407611.1, NM_001407612.1 and 21 more transcripts); c.4216C>T, p.Gln1406Ter (NM_001407628.1, NM_001407629.1, NM_001407630.1 and 5 more transcripts); c.4078C>T, p.Gln1360Ter (NM_001407752.1, NM_001407838.1, NM_001407839.1 and 23 more transcripts); c.4075C>T, p.Gln1359Ter (NM_001407847.1, NM_001407848.1, NM_001407849.1); c.4099C>T, p.Gln1367Ter (NM_001407648.1, NM_001407669.1, NM_001407677.1 and 13 more transcripts); c.4096C>T, p.Gln1366Ter (NM_001407649.1, NM_001407670.1, NM_001407671.1 and 12 more transcripts); and 52 more; short protein forms Q1408*, Q305*, Q1361*, Q1239*, Q1365*, Q1382*, Q178*, Q217*.
Identifiers: ClinVar variation 55145 (VCV000055145.49), dbSNP rs80356989, ClinGen allele CA002719.
Genomic context (GRCh38, chr17:43,082,539, plus strand): 5'-TGTTAGAAGGCTGGCTCCCATGCTGTTCTAACACAGCTTCTAGTTCAGCCATTTCCTGCT[G>A]GAGCTTTATCAGGTTATGTTGCATGGTATCCCTCTGCTTCAAAAACGATAAATGGCACCA-3'

ClinVar aggregate classification (germline): Pathogenic. Review status: reviewed by expert panel (3 of 4 stars). 22 submissions from 22 submitters: Pathogenic (1). 21 of the submissions do not count toward it. Last evaluated 2016-09-08.

Conditions:
BRCA1-related disorder. Also called: BRCA1-related condition.
Hereditary cancer-predisposing syndrome. Also called: Hereditary Cancer Syndrome; Hereditary neoplastic syndrome; Neoplastic Syndromes, Hereditary; Tumor predisposition. Identifiers: Orphanet 140162, MedGen C0027672, MeSH D009386, MONDO:0015356.
Ovarian neoplasm. Also called: Ovarian Neoplasms; Neoplasm of ovary; Ovarian tumor. Identifiers: MedGen C0919267, MeSH D010051, MONDO:0021068, HP:0100615.
Hereditary breast ovarian cancer syndrome. Also called: BRCA1- and BRCA2-Associated Hereditary Breast and Ovarian Cancer; Hereditary breast and ovarian cancer syndrome; Hereditary breast and ovarian cancer syndrome (HBOC); Breast and ovarian cancer; Hereditary breast and/or ovarian cancer syndrome; Hereditary breast and ovarian cancer. Identifiers: Orphanet 145, MedGen C0677776, MeSH D061325, MONDO:0003582. Disease mechanism: loss of function.
Breast-ovarian cancer, familial, susceptibility to, 1 (BROVCA1). Also called: BRCA1 Hereditary Breast and Ovarian Cancer; OVARIAN CANCER, SUSCEPTIBILITY TO. Identifiers: Orphanet 145, MedGen C2676676, MONDO:0011450, OMIM 604370. Disease mechanism: loss of function.

Allele frequency attached by ClinVar (database versions not stated): gnomAD exomes below 0.00001; ExAC 0.00001; gnomAD 0.00001.
gnomAD v4.1: 3 of 1,614,036 alleles (0.00019%); highest among the groups gnomAD compares: Non-Finnish European, 0.00025%; no homozygotes.

Submissions 1 to 9 of 22:

Evidence-based Network for the Interpretation of Germline Mutant Alleles (ENIGMA)
Classification: Pathogenic for Breast-ovarian cancer, familial, susceptibility to, 1. Last evaluated: 2016-09-08. Review status: reviewed by expert panel. Criteria: ENIGMA BRCA1/2 Classification Criteria (2015). Collection method: curation. Allele origin: germline.
Comment: Variant allele predicted to encode a truncated non-functional protein.

Labcorp Genetics (formerly Invitae), Labcorp
Classification: Pathogenic for Hereditary breast ovarian cancer syndrome. Last evaluated: 2025-10-16. Review status: criteria provided, single submitter. Criteria: Invitae Variant Classification Sherloc (09022015). Collection method: clinical testing. Allele origin: germline. Not counted in ClinVar's aggregate classification.
Comment: This sequence change creates a premature translational stop signal (p.Gln1408*) in the BRCA1 gene. It is expected to result in an absent or disrupted protein product. Loss-of-function variants in BRCA1 are known to be pathogenic (PMID: 20104584). This variant is present in population databases (rs80356989, gnomAD 0.0009%). This premature translational stop signal has been observed in individual(s) with breast and/or ovarian cancer (PMID: 9333265, 9760198, 20104584, 22009639). This variant is also known as c.4341C>T. ClinVar contains an entry for this variant (Variation ID: 55145). For these reasons, this variant has been classified as Pathogenic.

Institute of Human Genetics, University of Leipzig Medical Center
Classification: Pathogenic for Breast-ovarian cancer, familial, susceptibility to, 1. Last evaluated: 2025-07-28. Review status: criteria provided, single submitter. Criteria: ACMG Guidelines, 2015. Collection method: clinical testing. Allele origin: maternal. Inheritance: Autosomal dominant inheritance. Affected: yes. Not counted in ClinVar's aggregate classification.
Comment: Criteria applied: PVS1,PM5_STR,PM2_SUP

Color Diagnostics, LLC DBA Color Health
Classification: Pathogenic for Hereditary cancer-predisposing syndrome. Last evaluated: 2025-06-17. Review status: criteria provided, single submitter. Criteria: ACMG Guidelines, 2015. Collection method: clinical testing. Allele origin: germline. Not counted in ClinVar's aggregate classification.
Comment: This variant changes 1 nucleotide in exon 12 of the BRCA1 gene, creating a premature translation stop signal. This variant is expected to result in an absent or non-functional protein product. This variant has been reported in individuals affected with breast and/or ovarian cancer (PMID: 9333265, 9760198, 11802209, 20104584) and prostate cancer (PMID: 27433846).This variant has been identified in 1/251400 chromosomes in the general population by the Genome Aggregation Database (gnomAD). Loss of BRCA1 function is a known mechanism of disease. Based on the available evidence, this variant is classified as Pathogenic.

Center for Genomic Medicine, Rigshospitalet, Copenhagen University Hospital
Classification: Pathogenic. Last evaluated: 2025-03-04. Review status: criteria provided, single submitter. Criteria: ACMG Guidelines, 2015. Collection method: clinical testing. Allele origin: germline. Not counted in ClinVar's aggregate classification.

ARUP Laboratories, Molecular Genetics and Genomics, ARUP Laboratories
Classification: Pathogenic. Last evaluated: 2024-11-25. Review status: criteria provided, single submitter. Criteria: ARUP Molecular Germline Variant Investigation Process 2024. Collection method: clinical testing. Allele origin: germline. Not counted in ClinVar's aggregate classification.
Comment: The BRCA1 c.4222C>T; p.Gln1408Ter variant (rs80356989, ClinVar Variation ID: 55145) is reported in the literature in several individuals affected with breast and/or ovarian cancer (selected references: Borg 2010, Dong 1998, Lilyquist 2017, Shattuck-Eidens 1997, Sun 2017). This variant is only observed on one allele in the Genome Aggregation Database (v2.1.1), indicating it is not a common polymorphism. This variant induces an early termination codon and is predicted to result in a truncated protein or mRNA subject to nonsense-mediated decay. Based on available information, this variant is considered to be pathogenic. References: Borg A et al. Characterization of BRCA1 and BRCA2 deleterious mutations and variants of unknown clinical significance in unilateral and bilateral breast cancer: the WECARE study. Hum Mutat. 2010 Mar;31(3):E1200-40. PMID: 20104584. Dong J et al. A high proportion of mutations in the BRCA1 gene in German breast/ovarian cancer families with clustering of mutations in the 3' third of the gene. Hum Genet. 1998 Aug;103(2):154-61. PMID: 9760198. Lilyquist J et al. Frequency of mutations in a large series of clinically ascertained ovarian cancer cases tested on multi-gene panels compared to reference controls. Gynecol Oncol. 2017 Nov;147(2):375-380. PMID: 28888541. Shattuck-Eidens D et al. BRCA1 sequence analysis in women at high risk for susceptibility mutations. Risk factor analysis and implications for genetic testing. JAMA. 1997 Oct 15;278(15):1242-50. PMID: 9333265. Sun J et al. Germline Mutations in Cancer Susceptibility Genes in a Large Series of Unselected Breast Cancer Patients. Clin Cancer Res. 2017 Oct 15;23(20):6113-6119. PMID: 28724667.

Department of Clinical Genetics, Copenhagen University Hospital, Rigshospitalet
Classification: Pathogenic for Breast-ovarian cancer, familial, susceptibility to, 1. Last evaluated: 2024-05-27. Review status: criteria provided, single submitter. Criteria: ACMG Guidelines, 2015. Collection method: clinical testing. Allele origin: germline. Affected: yes. Not counted in ClinVar's aggregate classification.
Comment: PVS1; PM2_supporting; PM5_PTC_Strong

Baylor Genetics
Classification: Pathogenic for Breast-ovarian cancer, familial, susceptibility to, 1. Last evaluated: 2023-11-02. Review status: criteria provided, single submitter. Criteria: ACMG Guidelines, 2015. Collection method: clinical testing. Allele origin: unknown. Not counted in ClinVar's aggregate classification.

Women's Health and Genetics/Laboratory Corporation of America, LabCorp
Classification: Pathogenic for Hereditary breast ovarian cancer syndrome. Last evaluated: 2023-07-03. Review status: criteria provided, single submitter. Criteria: LabCorp Variant Classification Summary - May 2015. Collection method: clinical testing. Allele origin: germline. Not counted in ClinVar's aggregate classification.
Comment: Variant summary: BRCA1 c.4222C>T (p.Gln1408X) results in a premature termination codon, predicted to cause a truncation of the encoded protein or absence of the protein due to nonsense mediated decay, which are commonly known mechanisms for disease. The variant allele was found at a frequency of 4e-06 in 251400 control chromosomes. c.4222C>T has been reported in the literature in multiple individuals affected with Hereditary Breast And Ovarian Cancer Syndrome. These data indicate that the variant is very likely to be associated with disease. To our knowledge, no experimental evidence demonstrating an impact on protein function has been reported. The following publications have been ascertained in the context of this evaluation (PMID: 16267036, 18824701, 11802209, 22009639, 19941162, 9333265, 21465171, 9760198, 27433846). 12 submitters have cited clinical-significance assessments for this variant to ClinVar after 2014. All submitters classified the variant as pathogenic. Based on the evidence outlined above, the variant was classified as pathogenic.